The following is an entry in ClinVar:

ClinVar aggregate classification (germline): Pathogenic/Likely pathogenic. Review status: criteria provided, multiple submitters, no conflicts (2 of 4 stars). 2 submissions from 2 submitters: Pathogenic (1); Likely pathogenic (1). Last evaluated 2026-03-31.

Conditions:
Rubinstein-Taybi syndrome due to EP300 haploinsufficiency. Also called: RUBINSTEIN-TAYBI SYNDROME 2; EP300-Related Rubinstein-Taybi Syndrome. Identifiers: Orphanet 353284, Orphanet 783, MedGen C3150941, MONDO:0013364, OMIM 613684.

Submissions (2):

GeneDx
Classification: Pathogenic. Last evaluated: 2026-03-31. Review status: criteria provided, single submitter. Criteria: GeneDx Variant Classification Process June 2021. Collection method: clinical testing. Allele origin: germline.
Comment: Canonical splice site variant predicted to result in an in-frame loss of the adjacent exon in a gene for which loss of function is a known mechanism of disease; Not observed at significant frequency in large population cohorts (gnomAD); This variant is associated with the following publications: (PMID: 39843441, 34427995)

3billion
Classification: Likely pathogenic for Rubinstein-Taybi syndrome due to EP300 haploinsufficiency. Last evaluated: 2026-01-13. Review status: criteria provided, single submitter. Criteria: ACMG Guidelines, 2015. Collection method: clinical testing. Allele origin: germline. Affected: yes.
Comment: The variant is not observed in the gnomAD v4.1.0 dataset. Predicted Consequence/Location: Canonical splice site: predicted to alter splicing and result in a loss or disruption of normal protein function. In silico tools predict the variant to alter splicing and produce an abnormal transcript [SpliceAI: 0.99 (spliceogenicity >=0.2, non-spliceogenicity <0.1)]. The variant has been reported to be associated with EP300-related disorder (PMID: 34427995 /3billion dataset). Therefore, this variant is classified as Likely pathogenic according to the recommendation of ACMG/AMP guideline.

Literature cited by the submitters: PubMed 34427995 (cited by 3billion).

NM_001429.4(EP300):c.4173-2A>G

Gene: EP300 (EP300 lysine acetyltransferase; plus strand). Cytogenetic location: 22q13.2.
Variant type: single nucleotide variant.
Coding change: c.4173-2A>G on transcript NM_001429.4 (MANE Select); the canonical splice acceptor site of the intron before coding-DNA position 4173, A replaced by G.
Molecular consequence: splice acceptor variant.
Genome position (GRCh38, 1-based): chr22:41,169,501, A>G. VCF-style: chr22-41169501-A-G. GRCh37 (hg19) VCF-style: chr22-41565505-A-G.
Other names: c.4095-2A>G (NM_001362843.2).
Identifiers: ClinVar variation 4856323 (VCV004856323.2).
Genomic context (GRCh38, chr22:41,169,501, plus strand): 5'-TAAAGAACTCATTATGTGACCTGACTTTTTTTTTCCTCTTCATTTCTCTTCATTTTGTAT[A>G]GGAGAGTATACATATCTTACCTCGATAGTGTTCATTTCTTCCGTCCTAAATGCTTGAGGA-3'